The following is an entry in ClinVar:

NM_002336.3(LRP6):c.2669G>A (p.Trp890Ter)

Gene: LRP6 (LDL receptor related protein 6; minus strand). Cytogenetic location: 12p13.2.
Variant type: single nucleotide variant.
Coding change: c.2669G>A on transcript NM_002336.3 (MANE Select); coding-DNA position 2669, G replaced by A.
Protein change: p.Trp890Ter; replaces tryptophan 890 with a stop codon.
Molecular consequence: nonsense.
Genome position (GRCh38, 1-based): chr12:12,158,951, C>T on the plus strand (G>A on the coding strand, the complement: LRP6 is on the minus strand). VCF-style: chr12-12158951-C-T. GRCh37 (hg19) VCF-style: chr12-12311885-C-T.
Other names: short protein forms W890*.
Identifiers: ClinVar variation 523827 (VCV000523827.2), dbSNP rs1555108264, ClinGen allele CA383943852.

ClinVar aggregate classification (germline): Pathogenic (1 of 4 stars; one submission).

Submission:

GeneDx
Classification: Pathogenic. Last evaluated: 2018-03-15. Review status: criteria provided, single submitter. Criteria: GeneDx Variant Classification (06012015). Collection method: clinical testing. Allele origin: germline. Affected: yes.
Comment: The W890X variant in the LRP6 gene has not been reported previously as a pathogenic variant nor as a benign variant, to our knowledge. This variant is predicted to cause loss of normal protein function either through protein truncation or nonsense-mediated mRNA decay. The W890X variant is not observed in large population cohorts (Lek et al., 2016). We interpret W890X as a pathogenic variant.